The following is an entry in ClinVar:

NM_022095.4(ZNF335):c.519T>G (p.Asp173Glu)

Gene: ZNF335 (zinc finger protein 335; minus strand). Cytogenetic location: 20q13.12.
Variant type: single nucleotide variant.
Coding change: c.519T>G on transcript NM_022095.4 (MANE Select); coding-DNA position 519, T replaced by G.
Protein change: p.Asp173Glu; replaces aspartic acid 173 with glutamic acid.
Molecular consequence: missense variant.
Genome position (GRCh38, 1-based): chr20:45,968,286, A>C on the plus strand (T>G on the coding strand, the complement: ZNF335 is on the minus strand). VCF-style: chr20-45968286-A-C. GRCh37 (hg19) VCF-style: chr20-44596925-A-C.
Other names: short protein forms D173E.
Identifiers: ClinVar variation 2112835 (VCV002112835.4), dbSNP rs2515582509, ClinGen allele CA409193643.

ClinVar aggregate classification (germline): Uncertain significance (1 of 4 stars; one submission).

Submission:

Labcorp Genetics (formerly Invitae), Labcorp
Classification: Uncertain significance. Last evaluated: 2024-12-16. Review status: criteria provided, single submitter. Criteria: Invitae Variant Classification Sherloc (09022015). Collection method: clinical testing. Allele origin: germline.
Comment: This sequence change replaces aspartic acid, which is acidic and polar, with glutamic acid, which is acidic and polar, at codon 173 of the ZNF335 protein (p.Asp173Glu). This variant is not present in population databases (gnomAD no frequency). This variant has not been reported in the literature in individuals affected with ZNF335-related conditions. ClinVar contains an entry for this variant (Variation ID: 2112835). An algorithm developed to predict the effect of missense changes on protein structure and function (PolyPhen-2) suggests that this variant is likely to be tolerated. In summary, the available evidence is currently insufficient to determine the role of this variant in disease. Therefore, it has been classified as a Variant of Uncertain Significance.